The following is an entry in ClinVar:

ClinVar aggregate classification (germline): Uncertain significance (1 of 4 stars; one submission).

Allele frequency attached by ClinVar (database versions not stated): gnomAD exomes below 0.00001.
gnomAD v4.1: 1 of 1,614,154 alleles (0.000062%); highest among the groups gnomAD compares: Non-Finnish European, 0.000085%; no homozygotes.

Submission:

Labcorp Genetics (formerly Invitae), Labcorp
Classification: Uncertain significance. Last evaluated: 2022-09-22. Review status: criteria provided, single submitter. Criteria: Invitae Variant Classification Sherloc (09022015). Collection method: clinical testing. Allele origin: germline.
Comment: In summary, the available evidence is currently insufficient to determine the role of this variant in disease. Therefore, it has been classified as a Variant of Uncertain Significance. Algorithms developed to predict the effect of missense changes on protein structure and function output the following: SIFT: "Tolerated"; PolyPhen-2: "Benign"; Align-GVGD: "Class C0". The arginine amino acid residue is found in multiple mammalian species, which suggests that this missense change does not adversely affect protein function. This variant has not been reported in the literature in individuals affected with SLCO5A1-related conditions. This variant is not present in population databases (gnomAD no frequency). This sequence change replaces glutamine, which is neutral and polar, with arginine, which is basic and polar, at codon 115 of the SLCO5A1 protein (p.Gln115Arg).

NM_030958.3(SLCO5A1):c.344A>G (p.Gln115Arg)

Gene: SLCO5A1 (solute carrier organic anion transporter family member 5A1; minus strand). Cytogenetic location: 8q13.3.
Variant type: single nucleotide variant.
Coding change: c.344A>G on transcript NM_030958.3 (MANE Select); coding-DNA position 344, A replaced by G.
Protein change: p.Gln115Arg; replaces glutamine 115 with arginine.
Molecular consequence: missense variant.
Genome position (GRCh38, 1-based): chr8:69,832,330, T>C on the plus strand (A>G on the coding strand, the complement: SLCO5A1 is on the minus strand). VCF-style: chr8-69832330-T-C. GRCh37 (hg19) VCF-style: chr8-70744565-T-C.
Other names: c.344A>G, p.Gln115Arg (NM_001146008.2, NM_001146009.1); short protein forms Q115R.
Identifiers: ClinVar variation 1905957 (VCV001905957.5), dbSNP rs2487566050, ClinGen allele CA371267863.